The following is an entry in ClinVar:

NM_018008.4(FEZF2):c.374G>A (p.Gly125Asp)

Gene: FEZF2 (FEZ family zinc finger 2; minus strand). Cytogenetic location: 3p14.2.
Variant type: single nucleotide variant.
Coding change: c.374G>A on transcript NM_018008.4 (MANE Select); coding-DNA position 374, G replaced by A.
Protein change: p.Gly125Asp; replaces glycine 125 with aspartic acid.
Molecular consequence: missense variant.
Genome position (GRCh38, 1-based): chr3:62,372,495, C>T on the plus strand (G>A on the coding strand, the complement: FEZF2 is on the minus strand). VCF-style: chr3-62372495-C-T. GRCh37 (hg19) VCF-style: chr3-62358170-C-T.
Other names: short protein forms G125D.
Identifiers: ClinVar variation 4987611 (VCV004987611.1).

ClinVar aggregate classification (germline): Uncertain significance (1 of 4 stars; one submission).

Conditions:
FEZF2-related disorder. Also called: FEZF2-related condition.

gnomAD v4.1: 1 of 1,474,584 alleles (0.000068%); highest among the groups gnomAD compares: African/African-American, 0.0014%; no homozygotes.

Submission:

PreventionGenetics, part of Exact Sciences
Classification: Uncertain significance for FEZF2-related condition. Last evaluated: 2026-03-02. Review status: criteria provided, single submitter. Criteria: ACMG Guidelines, 2015. Collection method: clinical testing. Allele origin: germline.
Comment: The FEZF2 c.374G>A variant is predicted to result in the amino acid substitution p.Gly125Asp. To our knowledge, this variant has not been reported in the literature or in a large population database (gnomAD), indicating this variant is rare. At this time, the clinical significance of this variant is uncertain due to the absence of conclusive functional and genetic evidence.